The following is an entry in ClinVar:

NM_020232.5(PSMG2):c.1A>G (p.Met1Val)

Gene: PSMG2 (proteasome assembly chaperone 2; plus strand). Cytogenetic location: 18p11.21.
Variant type: single nucleotide variant.
Coding change: c.1A>G on transcript NM_020232.5 (MANE Select); coding-DNA position 1, A replaced by G.
Protein change: p.Met1Val; changes the start codon (methionine 1).
Molecular consequence: missense variant, initiator codon variant. On other transcripts: intron variant (1).
Genome position (GRCh38, 1-based): chr18:12,703,108, A>G. VCF-style: chr18-12703108-A-G. GRCh37 (hg19) VCF-style: chr18-12703107-A-G.
Other names: c.-36-3442A>G (NM_147163.2); short protein forms M1V.
Identifiers: ClinVar variation 2978492 (VCV002978492.3), dbSNP rs1370459703, ClinGen allele CA401964384.
Genomic context (GRCh38, chr18:12,703,108, plus strand): 5'-TTGCTGCCCTCGTTCTTGCCAGGGCCGCGGTTAGTCCCTGCTGGCCACCCCACTGCGACC[A>G]TGTTCGTTCCCTGCGGGGAGTCGGCCCCCGACCTTGCCGGCTTCACCCTCCTAATGGTGA-3'
Protein context (NP_064617.2, residues 1-11): [Met1Val]FVPCGESAPD

ClinVar aggregate classification (germline): Uncertain significance (1 of 4 stars; one submission).

Allele frequency attached by ClinVar (database versions not stated): TOPMed 0.00002; gnomAD exomes below 0.00001; gnomAD 0.00001.

Submission:

Labcorp Genetics (formerly Invitae), Labcorp
Classification: Uncertain significance. Last evaluated: 2023-12-21. Review status: criteria provided, single submitter. Criteria: Invitae Variant Classification Sherloc (09022015). Collection method: clinical testing. Allele origin: germline.
Comment: This sequence change affects the initiator methionine of the PSMG2 mRNA. The next in-frame methionine is located at codon 19. This variant is present in population databases (no rsID available, gnomAD 0.007%). This variant has not been reported in the literature in individuals affected with PSMG2-related conditions. Experimental studies and prediction algorithms are not available or were not evaluated, and the functional significance of this variant is currently unknown. In summary, the available evidence is currently insufficient to determine the role of this variant in disease. Therefore, it has been classified as a Variant of Uncertain Significance.